The following is an entry in ClinVar:

ClinVar aggregate classification (germline): Uncertain significance (1 of 4 stars; one submission).

Allele frequency attached by ClinVar (database versions not stated): gnomAD exomes 0.00001 and 0.00002; gnomAD 0.00002; TOPMed 0.00002.
gnomAD v4.1: 6 of 1,194,929 alleles (0.0005%); highest among the groups gnomAD compares: Admixed American, 0.011%; no homozygotes.

Submission:

Labcorp Genetics (formerly Invitae), Labcorp
Classification: Uncertain significance. Last evaluated: 2023-12-02. Review status: criteria provided, single submitter. Criteria: Invitae Variant Classification Sherloc (09022015). Collection method: clinical testing. Allele origin: germline.
Comment: This sequence change replaces isoleucine, which is neutral and non-polar, with valine, which is neutral and non-polar, at codon 948 of the STAG2 protein (p.Ile948Val). The frequency data for this variant in the population databases is considered unreliable, as metrics indicate poor data quality at this position in the gnomAD database. This variant has not been reported in the literature in individuals affected with STAG2-related conditions. ClinVar contains an entry for this variant (Variation ID: 1363907). Advanced modeling of protein sequence and biophysical properties (such as structural, functional, and spatial information, amino acid conservation, physicochemical variation, residue mobility, and thermodynamic stability) performed at Invitae indicates that this missense variant is not expected to disrupt STAG2 protein function with a negative predictive value of 80%. In summary, the available evidence is currently insufficient to determine the role of this variant in disease. Therefore, it has been classified as a Variant of Uncertain Significance.

NM_001042750.2(STAG2):c.2842A>G (p.Ile948Val)

Gene: STAG2 (STAG2 cohesin complex component; plus strand). Cytogenetic location: Xq25.
Variant type: single nucleotide variant.
Coding change: c.2842A>G on transcript NM_001042750.2 (MANE Select); coding-DNA position 2842, A replaced by G.
Protein change: p.Ile948Val; replaces isoleucine 948 with valine.
Molecular consequence: missense variant.
Genome position (GRCh38, 1-based): chrX:124,081,446, A>G. VCF-style: chrX-124081446-A-G. GRCh37 (hg19) VCF-style: chrX-123215296-A-G.
Other names: c.2842A>G, p.Ile948Val (NM_001042749.2, NM_001042751.2, NM_001282418.2 and 13 more transcripts); short protein forms I948V.
Identifiers: ClinVar variation 1363907 (VCV001363907.6), dbSNP rs1490868348, ClinGen allele CA414280033.